The following is an entry in ClinVar:

ClinVar aggregate classification (germline): Likely pathogenic (1 of 4 stars; one submission).

Conditions:
Alport syndrome. Also called: Hemorrhagic familial nephritis; Hemorrhagic hereditary nephritis; Congenital hereditary hematuria. Identifiers: Orphanet 63, MedGen C1567741, MONDO:0018965.

Submission:

Natera, Inc.
Classification: Likely pathogenic for Alport syndrome. Last evaluated: 2025-03-22. Review status: criteria provided, single submitter. Criteria: Natera Variant Classification Schema (03/2026). Collection method: clinical testing. Allele origin: germline.
Comment: The c.4929-2A>G variant in COL4A3 is a canonical splice acceptor site variant predicted to affect pre-mRNA splicing, which may result in an abnormal transcript and altered protein product. This variant is expected to result in nonsense mediated decay, truncation, or a dysfunctional protein product. This variant is rare in the general population with a frequency below the threshold expected for the associated phenotype(s). Given the available evidence, this variant is classified as Likely Pathogenic.

NM_000091.5(COL4A3):c.4929-2A>G

Genes: MFF-DT (MFF divergent transcript; minus strand), COL4A3 (collagen type IV alpha 3 chain; plus strand). Cytogenetic location: 2q36.3.
Variant type: single nucleotide variant.
Coding change: c.4929-2A>G on transcript NM_000091.5 (MANE Select); the canonical splice acceptor site of the intron before coding-DNA position 4929, A replaced by G.
Molecular consequence: splice acceptor variant.
Genome position (GRCh38, 1-based): chr2:227,311,784, A>G. VCF-style: chr2-227311784-A-G. GRCh37 (hg19) VCF-style: chr2-228176500-A-G.
Identifiers: ClinVar variation 4064956 (VCV004064956.2).
Genomic context (GRCh38, chr2:227,311,784, plus strand): 5'-CTCAGCAAAAATTCCCTTTTATGCATAAATAAATGAATTTTTTTGGTTTGTTTTTATTTC[A>G]GAAAGCCTATTCCATCAACTGTGAAAGCTGGGGAATTAGAAAAAATAATAAGTCGCTGTC-3'